The following is an entry in ClinVar:

NM_017819.4(TRMT10C):c.325C>T (p.Pro109Ser)

Gene: TRMT10C (tRNA methyltransferase 10C, mitochondrial RNase P subunit; plus strand). Cytogenetic location: 3q12.3.
Variant type: single nucleotide variant.
Coding change: c.325C>T on transcript NM_017819.4 (MANE Select); coding-DNA position 325, C replaced by T.
Protein change: p.Pro109Ser; replaces proline 109 with serine.
Molecular consequence: missense variant.
Genome position (GRCh38, 1-based): chr3:101,565,106, C>T. VCF-style: chr3-101565106-C-T. GRCh37 (hg19) VCF-style: chr3-101283950-C-T.
Other names: c.325C>T (NM_017819.3); short protein forms P109S.
Identifiers: ClinVar variation 3014625 (VCV003014625.4), dbSNP rs764404101, ClinGen allele CA2520506.

ClinVar aggregate classification (germline): Uncertain significance. Review status: criteria provided, multiple submitters, no conflicts (2 of 4 stars). 2 submissions from 2 submitters: Uncertain significance (2). Last evaluated 2026-04-07.

Allele frequency attached by ClinVar (database versions not stated): ExAC 0.00002; gnomAD exomes 0.00001.
gnomAD v4.1: 15 of 1,613,422 alleles (0.00093%); highest among the groups gnomAD compares: Non-Finnish European, 0.00025%; no homozygotes.

Submissions (2):

GeneDx
Classification: Uncertain significance. Last evaluated: 2026-04-07. Review status: criteria provided, single submitter. Criteria: GeneDx Variant Classification Process June 2021. Collection method: clinical testing. Allele origin: germline.
Comment: In silico analysis supports that this missense variant has a deleterious effect on protein structure/function; Has not been previously published as pathogenic or benign to our knowledge

Labcorp Genetics (formerly Invitae), Labcorp
Classification: Uncertain significance. Last evaluated: 2024-10-24. Review status: criteria provided, single submitter. Criteria: Invitae Variant Classification Sherloc (09022015). Collection method: clinical testing. Allele origin: germline.
Comment: This sequence change replaces proline, which is neutral and non-polar, with serine, which is neutral and polar, at codon 109 of the TRMT10C protein (p.Pro109Ser). This variant is present in population databases (rs764404101, gnomAD 0.02%). This variant has not been reported in the literature in individuals affected with TRMT10C-related conditions. Invitae Evidence Modeling of protein sequence and biophysical properties (such as structural, functional, and spatial information, amino acid conservation, physicochemical variation, residue mobility, and thermodynamic stability) indicates that this missense variant is expected to disrupt TRMT10C protein function with a positive predictive value of 80%. In summary, the available evidence is currently insufficient to determine the role of this variant in disease. Therefore, it has been classified as a Variant of Uncertain Significance.